The following is an entry in ClinVar:

NM_000218.3(KCNQ1):c.1393+31914T>G

Genes: KCNQ1 (potassium voltage-gated channel subfamily Q member 1; plus strand), KCNQ1OT1 (KCNQ1 opposite strand/antisense transcript 1; minus strand). Cytogenetic location: 11p15.5.
Variant type: single nucleotide variant.
Coding change: c.1393+31914T>G on transcript NM_000218.3 (MANE Select); 31914 bases into the intron after coding-DNA position 1393, T replaced by G.
Molecular consequence: intron variant. On other transcripts: non-coding transcript variant (1).
Genome position (GRCh38, 1-based): chr11:2,620,768, T>G. VCF-style: chr11-2620768-T-G. GRCh37 (hg19) VCF-style: chr11-2641998-T-G.
Other names: c.1123+31914T>G (NM_001406837.1); c.1297+31914T>G (NM_001406836.1); c.853+31914T>G (NM_001406838.1); c.1012+31914T>G (NM_181798.2).
Identifiers: ClinVar variation 4822350 (VCV004822350.4).

ClinVar aggregate classification (germline): Benign (1 of 4 stars; one submission).

gnomAD v4.1: 186 of 398,644 alleles (0.047%); highest among the groups gnomAD compares: African/African-American, 0.34%; no homozygotes.

Submission:

CeGaT Center for Human Genetics Tuebingen
Classification: Benign. Last evaluated: 2026-03-01. Review status: criteria provided, single submitter. Criteria: CeGaT Center For Human Genetics Tuebingen Variant Classification Criteria Version 2. Collection method: clinical testing. Allele origin: germline. Affected: yes. Observed: 2 variant alleles.
Comment: KCNQ1OT1: BS1, BS2